The following is an entry in ClinVar:

NM_001164508.2(NEB):c.7865T>C (p.Val2622Ala)

Gene: NEB (nebulin; minus strand). Cytogenetic location: 2q23.3.
Variant type: single nucleotide variant.
Coding change: c.7865T>C on transcript NM_001164508.2 (MANE Select); coding-DNA position 7865, T replaced by C.
Protein change: p.Val2622Ala; replaces valine 2622 with alanine.
Molecular consequence: missense variant.
Genome position (GRCh38, 1-based): chr2:151,643,909, A>G on the plus strand (T>C on the coding strand, the complement: NEB is on the minus strand). VCF-style: chr2-151643909-A-G. GRCh37 (hg19) VCF-style: chr2-152500423-A-G.
Other names: c.7865T>C, p.Val2622Ala (NM_001164507.2, NM_001271208.2, NM_004543.5); short protein forms V2622A.
Identifiers: ClinVar variation 1025692 (VCV001025692.8), dbSNP rs563691738, ClinGen allele CA348781282.
Genomic context (GRCh38, chr2:151,643,909, plus strand): 5'-TGGATGACATCGCTCTGGTCGGGCAGGCATGTCCACTGGTGCAGGTAGTTCTTGTAGTCC[A>G]CGTCGCTGACTAAGGTCTGGCACTTCTTGGCCAACACCACCCCCAGCATGTCCACTGGGC-3'
Protein context (NP_001157980.2, residues 2612-2632): AKKCQTLVSD[Val2622Ala]DYKNYLHQWT

ClinVar aggregate classification (germline): Uncertain significance (1 of 4 stars; one submission).

Conditions:
Nemaline myopathy 2 (NEM2). Also called: Nemaline myopathy 2, autosomal recessive. Identifiers: MedGen C1850569, MONDO:0009725, OMIM 256030.

Submission:

Labcorp Genetics (formerly Invitae), Labcorp
Classification: Uncertain significance for Nemaline myopathy 2. Last evaluated: 2022-02-03. Review status: criteria provided, single submitter. Criteria: Invitae Variant Classification Sherloc (09022015). Collection method: clinical testing. Allele origin: germline.
Comment: In summary, the available evidence is currently insufficient to determine the role of this variant in disease. Therefore, it has been classified as a Variant of Uncertain Significance. Algorithms developed to predict the effect of missense changes on protein structure and function output the following: SIFT: "Tolerated"; PolyPhen-2: "Not Available"; Align-GVGD: "Class C0". The alanine amino acid residue is found in multiple mammalian species, which suggests that this missense change does not adversely affect protein function. ClinVar contains an entry for this variant (Variation ID: 1025692). This variant has not been reported in the literature in individuals affected with NEB-related conditions. This variant is not present in population databases (gnomAD no frequency). This sequence change replaces valine, which is neutral and non-polar, with alanine, which is neutral and non-polar, at codon 2622 of the NEB protein (p.Val2622Ala).